The following is an entry in ClinVar:

NM_020442.6(VARS2):c.2224T>G (p.Cys742Gly)

Genes: VARS2 (valyl-tRNA synthetase 2, mitochondrial; plus strand), LOC126859646 (MED14-independent group 3 enhancer GRCh37_chr6:30889690-30890889; plus strand). Cytogenetic location: 6p21.33.
Variant type: single nucleotide variant.
Coding change: c.2224T>G on transcript NM_020442.6 (MANE Select); coding-DNA position 2224, T replaced by G.
Protein change: p.Cys742Gly; replaces cysteine 742 with glycine.
Molecular consequence: missense variant.
Genome position (GRCh38, 1-based): chr6:30,923,142, T>G. VCF-style: chr6-30923142-T-G. GRCh37 (hg19) VCF-style: chr6-30890919-T-G.
Other names: c.1804T>G, p.Cys602Gly (NM_001167733.3); c.2314T>G, p.Cys772Gly (NM_001167734.2); short protein forms C602G, C772G, C742G.
Identifiers: ClinVar variation 2087771 (VCV002087771.4), dbSNP rs1794636122, ClinGen allele CA363175125.

ClinVar aggregate classification (germline): Uncertain significance (1 of 4 stars; one submission).

Allele frequency attached by ClinVar (database versions not stated): TOPMed below 0.00001.

Submission:

Labcorp Genetics (formerly Invitae), Labcorp
Classification: Uncertain significance. Last evaluated: 2022-02-25. Review status: criteria provided, single submitter. Criteria: Invitae Variant Classification Sherloc (09022015). Collection method: clinical testing. Allele origin: germline.
Comment: This variant is not present in population databases (gnomAD no frequency). In summary, the available evidence is currently insufficient to determine the role of this variant in disease. Therefore, it has been classified as a Variant of Uncertain Significance. Algorithms developed to predict the effect of missense changes on protein structure and function (SIFT, PolyPhen-2, Align-GVGD) all suggest that this variant is likely to be tolerated. This variant has not been reported in the literature in individuals affected with VARS2-related conditions. This sequence change replaces cysteine, which is neutral and slightly polar, with glycine, which is neutral and non-polar, at codon 772 of the VARS2 protein (p.Cys772Gly).